The following is an entry in ClinVar:

NM_001029.5(RPS26):c.313-10dup

Gene: RPS26 (ribosomal protein S26; plus strand). Cytogenetic location: 12q13.2.
Variant type: Duplication.
Coding change: c.313-10dup on transcript NM_001029.5 (MANE Select); 10 bases into the intron before coding-DNA position 313, one base duplicated (T; older notation c.313-10dupT).
Molecular consequence: intron variant.
Genome position (GRCh38, 1-based): chr12:56,044,109, T duplicated; the last of 3 consecutive T bases (chr12:56,044,107-56,044,109); duplicating any one gives the same sequence. VCF-style (leftmost placement, unchanged base first): chr12-56044106-C-CT. GRCh37 (hg19) VCF-style: chr12-56437890-C-CT.
Other names: c.313-10dupT (NM_001029.3).
Identifiers: ClinVar variation 2911111 (VCV002911111.5), dbSNP rs1162462797, ClinGen allele CA605259556.
Genomic context (GRCh38, chr12:56,044,106, plus strand): 5'-GTCAAGTTCTTTGGGGGAAGGGAGTCTTGGATCCATGGGTTTTAATTTACTCTTTTGTTT[C>CT]TTTGTCTTTCAGGGTGCTGCCCCACGTCCCCCACCAAAGCCCATGTAAGGAGCTGAGTTC-3'

ClinVar aggregate classification (germline): Likely benign. Review status: criteria provided, single submitter (1 of 4 stars). 2 submissions from 2 submitters: Likely benign (1). 1 of the submissions does not count toward it. Last evaluated 2023-11-29.

Conditions:
Diamond-Blackfan anemia 10 (DBA10). Also called: RPS26-Related Diamond-Blackfan Anemia. Identifiers: Orphanet 124, MedGen C2750080, MONDO:0013217, OMIM 613309.
RPS26-related disorder. Also called: RPS26-related condition.

Submissions (2):

Labcorp Genetics (formerly Invitae), Labcorp
Classification: Likely benign for Diamond-Blackfan anemia 10. Last evaluated: 2023-11-29. Review status: criteria provided, single submitter. Criteria: Invitae Variant Classification Sherloc (09022015). Collection method: clinical testing. Allele origin: germline.

PreventionGenetics, part of Exact Sciences
Classification: Likely benign for RPS26-related condition. Last evaluated: 2020-07-28. Review status: no assertion criteria provided. Collection method: clinical testing. Allele origin: germline. Not counted in ClinVar's aggregate classification.
Comment: This variant is classified as likely benign based on ACMG/AMP sequence variant interpretation guidelines (Richards et al. 2015 PMID: 25741868, with internal and published modifications).